The following is an entry in ClinVar:

ClinVar aggregate classification (germline): Conflicting classifications of pathogenicity. Review status: criteria provided, conflicting classifications (1 of 4 stars). 4 submissions from 4 submitters: Uncertain significance (2); Likely benign (2). Last evaluated 2026-07-01.

Conditions:
Inborn genetic diseases. Identifiers: MedGen C0950123, MeSH D030342.
Combined oxidative phosphorylation defect type 27. Also called: Combined oxidative phosphorylation deficiency 27. Identifiers: Orphanet 477774, MedGen C5567608, MONDO:0014728, OMIM 616672.

Allele frequency attached by ClinVar (database versions not stated): TOPMed 0.00010; ESP Exome Variant Server 0.00015; 1000 Genomes Project 30x 0.00016; 1000 Genomes Project 0.00020.
gnomAD v4.1: 209 of 1,601,636 alleles (0.013%); highest among the groups gnomAD compares: Non-Finnish European, 0.017%; no homozygotes.

Submissions (4):

CeGaT Center for Human Genetics Tuebingen
Classification: Likely benign. Last evaluated: 2026-07-01. Review status: criteria provided, single submitter. Criteria: CeGaT Center For Human Genetics Tuebingen Variant Classification Criteria Version 2. Collection method: clinical testing. Allele origin: germline. Affected: yes. Observed: 1 variant allele.
Comment: CARS2: BP4

Ambry Genetics
Classification: Likely benign for Inborn genetic diseases. Last evaluated: 2025-06-06. Review status: criteria provided, single submitter. Criteria: Ambry Variant Classification Scheme 2023. Collection method: clinical testing. Allele origin: germline.

GeneDx
Classification: Uncertain significance. Last evaluated: 2023-12-28. Review status: criteria provided, single submitter. Criteria: GeneDx Variant Classification Process June 2021. Collection method: clinical testing. Allele origin: germline. Affected: yes.
Comment: In silico analysis supports that this missense variant does not alter protein structure/function; Has not been previously published as pathogenic or benign to our knowledge

Labcorp Genetics (formerly Invitae), Labcorp
Classification: Uncertain significance for Combined oxidative phosphorylation defect type 27. Last evaluated: 2022-06-13. Review status: criteria provided, single submitter. Criteria: Invitae Variant Classification Sherloc (09022015). Collection method: clinical testing. Allele origin: germline.
Comment: This sequence change replaces valine, which is neutral and non-polar, with isoleucine, which is neutral and non-polar, at codon 390 of the CARS2 protein (p.Val390Ile). This variant is present in population databases (rs138372705, gnomAD 0.02%). This variant has not been reported in the literature in individuals affected with CARS2-related conditions. ClinVar contains an entry for this variant (Variation ID: 967720). Algorithms developed to predict the effect of missense changes on protein structure and function output the following: SIFT: "Tolerated"; PolyPhen-2: "Benign"; Align-GVGD: "Class C0". The isoleucine amino acid residue is found in multiple mammalian species, which suggests that this missense change does not adversely affect protein function. In summary, the available evidence is currently insufficient to determine the role of this variant in disease. Therefore, it has been classified as a Variant of Uncertain Significance.

NM_024537.4(CARS2):c.1168G>A (p.Val390Ile)

Gene: CARS2 (cysteinyl-tRNA synthetase 2, mitochondrial; minus strand). Cytogenetic location: 13q34.
Variant type: single nucleotide variant.
Coding change: c.1168G>A on transcript NM_024537.4 (MANE Select); coding-DNA position 1168, G replaced by A.
Protein change: p.Val390Ile; replaces valine 390 with isoleucine.
Molecular consequence: missense variant. On other transcripts: non-coding transcript variant (2).
Genome position (GRCh38, 1-based): chr13:110,647,126, C>T on the plus strand (G>A on the coding strand, the complement: CARS2 is on the minus strand). VCF-style: chr13-110647126-C-T. GRCh37 (hg19) VCF-style: chr13-111299473-C-T.
Other names: c.1168G>A (NM_024537.2); c.382G>A, p.Val128Ile (NM_001352252.2); short protein forms V128I, V390I.
Identifiers: ClinVar variation 967720 (VCV000967720.8), dbSNP rs138372705, ClinGen allele CA7051889.